The following is an entry in ClinVar:

ClinVar aggregate classification (germline): Benign. Review status: criteria provided, multiple submitters, no conflicts (2 of 4 stars). 4 submissions from 4 submitters: Benign (3). 1 of the submissions does not count toward it. Last evaluated 2024-11-28.

Allele frequency attached by ClinVar (database versions not stated): ESP Exome Variant Server 0.23613; TOPMed 0.24941; gnomAD 0.25451 and 0.25702; gnomAD exomes 0.27313; 1000 Genomes Project 30x 0.27358; 1000 Genomes Project 0.27895; ExAC 0.28112.

Submissions (4):

Blueprint Genetics
Classification: Benign. Last evaluated: 2024-11-28. Review status: criteria provided, single submitter. Criteria: ACMG Guidelines, 2015. Collection method: clinical testing. Allele origin: germline.

Mayo Clinic Laboratories, Mayo Clinic
Classification: Benign. Last evaluated: 2022-03-24. Review status: criteria provided, single submitter. Criteria: ACMG Guidelines, 2015. Collection method: clinical testing. Allele origin: germline. Observed: 225 variant alleles.

Breakthrough Genomics
Classification: Benign. Review status: criteria provided, single submitter. Criteria: ACMG Guidelines, 2015. Collection method: not provided. Allele origin: germline. Inheritance: Autosomal recessive inheritance. Affected: yes.

Genetic Services Laboratory, University of Chicago
Classification: Likely benign for AllHighlyPenetrant. Review status: no assertion criteria provided. Collection method: clinical testing. Allele origin: germline. Inheritance: Autosomal recessive inheritance. Not counted in ClinVar's aggregate classification.
Comment: Likely benign based on allele frequency in 1000 Genomes Project or ESP global frequency and its presence in a patient with a rare or unrelated disease phenotype. NOT Sanger confirmed.

NM_001163809.2(WDR81):c.4603A>G (p.Met1535Val)

Gene: WDR81 (WD repeat domain 81; plus strand). Cytogenetic location: 17p13.3.
Variant type: single nucleotide variant.
Coding change: c.4603A>G on transcript NM_001163809.2 (MANE Select); coding-DNA position 4603, A replaced by G.
Protein change: p.Met1535Val; replaces methionine 1535 with valine.
Molecular consequence: missense variant.
Genome position (GRCh38, 1-based): chr17:1,733,640, A>G. VCF-style: chr17-1733640-A-G. GRCh37 (hg19) VCF-style: chr17-1636934-A-G.
Other names: c.994A>G, p.Met332Val (NM_001163673.2); c.922A>G, p.Met308Val (NM_001163811.2); c.1450A>G, p.Met484Val (NM_152348.4); short protein forms M332V, M1535V, M484V, M308V.
Identifiers: ClinVar variation 130739 (VCV000130739.9), dbSNP rs3809870, ClinGen allele CA155984.